The following is an entry in ClinVar:

ClinVar aggregate classification (germline): Likely benign. Review status: criteria provided, multiple submitters, no conflicts (2 of 4 stars). 2 submissions from 2 submitters: Likely benign (2). Last evaluated 2022-03-04.

Conditions:
Diffuse cerebral and cerebellar atrophy - intractable seizures - progressive microcephaly syndrome. Also called: Microcephaly, progressive, with seizures and cerebral and cerebellar atrophy. Identifiers: Orphanet 404437, MedGen C4014239, MONDO:0014335, OMIM 615760.

Allele frequency attached by ClinVar (database versions not stated): ExAC 0.00001; gnomAD 0.00001; TOPMed 0.00001.
gnomAD v4.1: 5 of 1,611,454 alleles (0.00031%); highest among the groups gnomAD compares: East Asian, 0.0067%; no homozygotes.

Submissions (2):

Labcorp Genetics (formerly Invitae), Labcorp
Classification: Likely benign for Diffuse cerebral and cerebellar atrophy - intractable seizures - progressive microcephaly syndrome. Last evaluated: 2022-03-04. Review status: criteria provided, single submitter. Criteria: Invitae Variant Classification Sherloc (09022015). Collection method: clinical testing. Allele origin: germline.

GeneDx
Classification: Likely benign. Last evaluated: 2018-03-13. Review status: criteria provided, single submitter. Criteria: GeneDx Variant Classification (06012015). Collection method: clinical testing. Allele origin: germline. Affected: yes.
Comment: This variant is considered likely benign or benign based on one or more of the following criteria: it is a conservative change, it occurs at a poorly conserved position in the protein, it is predicted to be benign by multiple in silico algorithms, and/or has population frequency not consistent with disease.

NM_005051.3(QARS1):c.45G>C (p.Leu15=)

Genes: QARS1 (glutaminyl-tRNA synthetase 1; minus strand), LOC129936736 (ATAC-STARR-seq lymphoblastoid active region 19853; plus strand). Cytogenetic location: 3p21.31.
Variant type: single nucleotide variant.
Coding change: c.45G>C on transcript NM_005051.3 (MANE Select); coding-DNA position 45, G replaced by C.
Protein change: p.Leu15=; no amino-acid change (leucine 15 retained).
Molecular consequence: synonymous variant. On other transcripts: non-coding transcript variant (1).
Genome position (GRCh38, 1-based): chr3:49,104,689, C>G on the plus strand (G>C on the coding strand, the complement: QARS1 is on the minus strand). VCF-style: chr3-49104689-C-G. GRCh37 (hg19) VCF-style: chr3-49142122-C-G.
Other names: c.45G>C, p.Leu15= (NM_001272073.2).
Identifiers: ClinVar variation 507037 (VCV000507037.8), dbSNP rs756522994, ClinGen allele CA2392334.